The following is an entry in ClinVar:

ClinVar aggregate classification (germline): Uncertain significance. Review status: criteria provided, multiple submitters, no conflicts (2 of 4 stars). 2 submissions from 2 submitters: Uncertain significance (2). Last evaluated 2022-12-16.

Conditions:
Mosaic variegated aneuploidy syndrome 1 (MVA1). Also called: Warburton-Anyane-Yeboa syndrome. Identifiers: Orphanet 1052, MedGen C1850343, MONDO:0009759, OMIM 257300.
Inborn genetic diseases. Identifiers: MedGen C0950123, MeSH D030342.

gnomAD v4.1: 5 of 1,614,150 alleles (0.00031%); highest among the groups gnomAD compares: East Asian, 0.011%; no homozygotes.

Submissions (2):

Labcorp Genetics (formerly Invitae), Labcorp
Classification: Uncertain significance for Mosaic variegated aneuploidy syndrome 1. Last evaluated: 2022-12-16. Review status: criteria provided, single submitter. Criteria: Invitae Variant Classification Sherloc (09022015). Collection method: clinical testing. Allele origin: germline.
Comment: ClinVar contains an entry for this variant (Variation ID: 659372). This variant has not been reported in the literature in individuals affected with BUB1B-related conditions. This variant is not present in population databases (gnomAD no frequency). This sequence change replaces glutamic acid, which is acidic and polar, with aspartic acid, which is acidic and polar, at codon 967 of the BUB1B protein (p.Glu967Asp). Algorithms developed to predict the effect of missense changes on protein structure and function output the following: SIFT: "Tolerated"; PolyPhen-2: "Benign"; Align-GVGD: "Class C0". The aspartic acid amino acid residue is found in multiple mammalian species, which suggests that this missense change does not adversely affect protein function. In summary, the available evidence is currently insufficient to determine the role of this variant in disease. Therefore, it has been classified as a Variant of Uncertain Significance.

Ambry Genetics
Classification: Uncertain significance for Inborn genetic diseases. Last evaluated: 2021-09-22. Review status: criteria provided, single submitter. Criteria: Ambry Variant Classification Scheme 2023. Collection method: clinical testing. Allele origin: germline.
Comment: The p.E967D variant (also known as c.2901A>T), located in coding exon 22 of the BUB1B gene, results from an A to T substitution at nucleotide position 2901. The glutamic acid at codon 967 is replaced by aspartic acid, an amino acid with highly similar properties. This amino acid position is conserved. In addition, this alteration is predicted to be tolerated by in silico analysis. Since supporting evidence is limited at this time, the clinical significance of this alteration remains unclear.

NM_001211.6(BUB1B):c.2901A>T (p.Glu967Asp)

Genes: BUB1B (BUB1 mitotic checkpoint serine/threonine kinase B; plus strand), BUB1B-PAK6 (BUB1B-PAK6 readthrough; plus strand). Cytogenetic location: 15q15.1.
Variant type: single nucleotide variant.
Coding change: c.2901A>T on transcript NM_001211.6 (MANE Select); coding-DNA position 2901, A replaced by T.
Protein change: p.Glu967Asp; replaces glutamic acid 967 with aspartic acid.
Molecular consequence: missense variant. On other transcripts: intron variant (2).
Genome position (GRCh38, 1-based): chr15:40,218,506, A>T. VCF-style: chr15-40218506-A-T. GRCh37 (hg19) VCF-style: chr15-40510707-A-T.
Other names: c.-201+839A>T (NM_001128628.3); c.-118+839A>T (NM_001128629.3); short protein forms E967D.
Identifiers: ClinVar variation 659372 (VCV000659372.12), dbSNP rs762290287, ClinGen allele CA391688287.
Genomic context (GRCh38, chr15:40,218,506, plus strand): 5'-GTGATTTCAGGTAGACCTGTTTGGTATAGCAGATTTAGCACATTTACTATTGTTCAAGGA[A>T]CACCTACAGGTCTTCTGGGATGGGTCCTTCTGGAAACTTAGCCAAAATATTTCTGAGTAA-3'
Protein context (NP_001202.5, residues 957-977): ADLAHLLLFK[Glu967Asp]HLQVFWDGSF